The following is an entry in ClinVar:

NM_001042492.3(NF1):c.3532A>T (p.Thr1178Ser)

Gene: NF1 (neurofibromin 1; plus strand). Cytogenetic location: 17q11.2.
Variant type: single nucleotide variant.
Coding change: c.3532A>T on transcript NM_001042492.3 (MANE Select); coding-DNA position 3532, A replaced by T.
Protein change: p.Thr1178Ser; replaces threonine 1178 with serine.
Molecular consequence: missense variant.
Genome position (GRCh38, 1-based): chr17:31,233,037, A>T. VCF-style: chr17-31233037-A-T. GRCh37 (hg19) VCF-style: chr17-29560055-A-T.
Other names: c.3532A>T, p.Thr1178Ser (NM_000267.4); short protein forms T1178S.
Identifiers: ClinVar variation 855188 (VCV000855188.6), dbSNP rs2067141791, ClinGen allele CA398989856.

ClinVar aggregate classification (germline): Uncertain significance (1 of 4 stars; one submission).

Conditions:
Neurofibromatosis, type 1 (NF1). Also called: Neurofibromatosis, type I; VON RECKLINGHAUSEN DISEASE; Peripheral type neurofibromatosis; NEUROFIBROMATOSIS, TYPE I, SOMATIC. Identifiers: Orphanet 636, MedGen C0027831, MONDO:0018975, OMIM 162200. Disease mechanism: loss of function.

Submission:

Labcorp Genetics (formerly Invitae), Labcorp
Classification: Uncertain significance for Neurofibromatosis, type 1. Last evaluated: 2019-02-04. Review status: criteria provided, single submitter. Criteria: Invitae Variant Classification Sherloc (09022015). Collection method: clinical testing. Allele origin: germline.
Comment: In summary, the available evidence is currently insufficient to determine the role of this variant in disease. Therefore, it has been classified as a Variant of Uncertain Significance. Algorithms developed to predict the effect of missense changes on protein structure and function are either unavailable or do not agree on the potential impact of this missense change (SIFT: "Tolerated"; PolyPhen-2: "Probably Damaging"; Align-GVGD: "Class C0"). This variant has not been reported in the literature in individuals with NF1-related conditions. This variant is not present in population databases (ExAC no frequency). This sequence change replaces threonine with serine at codon 1178 of the NF1 protein (p.Thr1178Ser). The threonine residue is moderately conserved and there is a small physicochemical difference between threonine and serine.